The following is an entry in ClinVar:

NM_000426.4(LAMA2):c.2930dup (p.Asp978fs)

Gene: LAMA2 (laminin subunit alpha 2; plus strand). Cytogenetic location: 6q22.33.
Variant type: Duplication.
Coding change: c.2930dup on transcript NM_000426.4 (MANE Select); coding-DNA position 2930, one base duplicated (T; older notation c.2930dupT).
Protein change: p.Asp978fs; shifts the reading frame from aspartic acid 978.
Molecular consequence: frameshift variant.
Genome position (GRCh38, 1-based): chr6:129,297,758, T duplicated; the last of 2 consecutive T bases (chr6:129,297,757-129,297,758); duplicating either gives the same sequence. VCF-style (leftmost placement, unchanged base first): chr6-129297756-A-AT. GRCh37 (hg19) VCF-style: chr6-129618901-A-AT.
Other names: c.2930dup, p.Asp978fs (NM_001079823.2); short protein forms D978fs.
Identifiers: ClinVar variation 5011900 (VCV005011900.1).

ClinVar aggregate classification (germline): Pathogenic (1 of 4 stars; one submission).

Conditions:
LAMA2-related muscular dystrophy (LAMA2-RD). Also called: Laminin alpha 2-related dystrophy. Identifiers: MedGen C5679788, MONDO:0100228.

Submission:

Myriad Genetics, Inc.
Classification: Pathogenic for LAMA2-related muscular dystrophy. Last evaluated: 2023-09-27. Review status: criteria provided, single submitter. Criteria: Myriad Autosomal Dominant, Autosomal Recessive and X-Linked Classification Criteria (2023). Collection method: clinical testing. Allele origin: unknown.
Comment: NM_000426.3(LAMA2):c.2930dupT(D978Rfs*3) is expected to be pathogenic in the context of muscular dystrophy, LAMA2-related. This variant is predicted to lead to an abnormal or absent protein product due to the creation of a premature termination codon in LAMA2, a gene where loss-of-function variants are known to be pathogenic. Please note: this variant was assessed in the context of healthy population screening.